The following is an entry in ClinVar:

NM_015662.3(IFT172):c.4853del (p.Ser1618fs)

Genes: IFT172 (intraflagellar transport 172; minus strand), KRTCAP3 (keratinocyte associated protein 3; plus strand). Cytogenetic location: 2p23.3.
Variant type: Deletion.
Coding change: c.4853del on transcript NM_015662.3 (MANE Select); coding-DNA position 4853, one base deleted (C; older notation c.4853delC).
Protein change: p.Ser1618fs; shifts the reading frame from serine 1618.
Molecular consequence: frameshift variant. On other transcripts: intron variant (1).
Genome position (GRCh38, 1-based): chr2:27,445,806, G deleted on the plus strand (C on the coding strand, the reverse complement: IFT172 is on the minus strand). VCF-style (leftmost placement, unchanged base first): chr2-27445805-AG-A. GRCh37 (hg19) VCF-style: chr2-27668672-AG-A.
Other names: c.4787del, p.Ser1596fs (NM_001410739.1); c.*6-495del (NM_001168364.2); short protein forms S1618fs, S1596fs.
Identifiers: ClinVar variation 1070963 (VCV001070963.8), dbSNP rs2148467030, ClinGen allele CA2499215852.

ClinVar aggregate classification (germline): Pathogenic (1 of 4 stars; one submission).

Conditions:
Short-rib thoracic dysplasia 10 with or without polydactyly (SRTD10). Identifiers: Orphanet 474, MedGen C3810175, MONDO:0014284, OMIM 615630.
Retinitis pigmentosa 71 (RP71). Identifiers: Orphanet 791, MedGen C4225342, MONDO:0014618, OMIM 616394.

Submission:

Labcorp Genetics (formerly Invitae), Labcorp
Classification: Pathogenic for Retinitis pigmentosa 71; Short-rib thoracic dysplasia 10 with or without polydactyly. Last evaluated: 2022-09-27. Review status: criteria provided, single submitter. Criteria: Invitae Variant Classification Sherloc (09022015). Collection method: clinical testing. Allele origin: germline.
Comment: For these reasons, this variant has been classified as Pathogenic. Algorithms developed to predict the effect of sequence changes on RNA splicing suggest that this variant may disrupt the consensus splice site. ClinVar contains an entry for this variant (Variation ID: 1070963). This variant has not been reported in the literature in individuals affected with IFT172-related conditions. This variant is not present in population databases (gnomAD no frequency). This sequence change creates a premature translational stop signal (p.Ser1618Leufs*57) in the IFT172 gene. It is expected to result in an absent or disrupted protein product. Loss-of-function variants in IFT172 are known to be pathogenic (PMID: 24140113).

Literature cited by the submitters: PubMed 24140113.